The following is an entry in ClinVar:

NM_004385.5(VCAN):c.1960G>C (p.Glu654Gln)

Gene: VCAN (versican; plus strand). Cytogenetic location: 5q14.3.
Variant type: single nucleotide variant.
Coding change: c.1960G>C on transcript NM_004385.5 (MANE Select); coding-DNA position 1960, G replaced by C.
Protein change: p.Glu654Gln; replaces glutamic acid 654 with glutamine.
Molecular consequence: missense variant. On other transcripts: intron variant (2).
Genome position (GRCh38, 1-based): chr5:83,520,266, G>C. VCF-style: chr5-83520266-G-C. GRCh37 (hg19) VCF-style: chr5-82816085-G-C.
Other names: c.1960G>C, p.Glu654Gln (NM_001164098.2); c.1042+7870G>C (NM_001164097.2, NM_001126336.3); short protein forms E654Q.
Identifiers: ClinVar variation 866147 (VCV000866147.4), dbSNP rs202008807, ClinGen allele CA360302289.

ClinVar aggregate classification (germline): Uncertain significance. Review status: criteria provided, multiple submitters, no conflicts (2 of 4 stars). 2 submissions from 2 submitters: Uncertain significance (2). Last evaluated 2024-08-13.

gnomAD v4.1: 2 of 1,613,966 alleles (0.00012%); highest among the groups gnomAD compares: East Asian, 0.0045%; no homozygotes.

Submissions (2):

Labcorp Genetics (formerly Invitae), Labcorp
Classification: Uncertain significance. Last evaluated: 2024-08-13. Review status: criteria provided, single submitter. Criteria: Invitae Variant Classification Sherloc (09022015). Collection method: clinical testing. Allele origin: germline.
Comment: This sequence change replaces glutamic acid, which is acidic and polar, with glutamine, which is neutral and polar, at codon 654 of the VCAN protein (p.Glu654Gln). This variant is not present in population databases (gnomAD no frequency). This variant has not been reported in the literature in individuals affected with VCAN-related conditions. ClinVar contains an entry for this variant (Variation ID: 866147). An algorithm developed to predict the effect of missense changes on protein structure and function (PolyPhen-2) suggests that this variant is likely to be disruptive. In summary, the available evidence is currently insufficient to determine the role of this variant in disease. Therefore, it has been classified as a Variant of Uncertain Significance.

Blueprint Genetics
Classification: Uncertain significance. Last evaluated: 2018-05-17. Review status: criteria provided, single submitter. Criteria: ACMG Guidelines, 2015. Collection method: clinical testing. Allele origin: germline.